The following is an entry in ClinVar:

ClinVar aggregate classification (germline): Uncertain significance (1 of 4 stars; one submission).

Conditions:
Atrioventricular septal defect 4 (AVSD4). Identifiers: MedGen C3280781, MONDO:0013747, OMIM 614430.

Submission:

Labcorp Genetics (formerly Invitae), Labcorp
Classification: Uncertain significance for Atrioventricular septal defect 4. Last evaluated: 2023-12-22. Review status: criteria provided, single submitter. Criteria: Invitae Variant Classification Sherloc (09022015). Collection method: clinical testing. Allele origin: unknown.
Comment: A copy number gain of the genomic region encompassing the full coding sequence of the GATA4 gene has been identified. The boundaries of this event are unknown as they extend beyond the assayed region for this gene and therefore may encompass additional genes. As the precise location of this event is unknown, it may be in tandem or it may be located elsewhere in the genome. Isolated whole-gene gains of GATA4 have not been reported in the literature. However, larger copy number events that include this gene have been reported (PMID: 19353638, 21933911, 22318994, 24127225, 25205790, 25516202, 32748548). In summary, the available evidence is currently insufficient to determine the role of this variant in disease. Therefore, it has been classified as a Variant of Uncertain Significance.

Literature cited by the submitters: PubMed 19353638; PubMed 21933911; PubMed 22318994; PubMed 24127225; PubMed 25205790; PubMed 25516202; PubMed 32748548.

NC_000008.10:g.(?_11351220)_(11710963_?)dup

Genes: BLK (BLK proto-oncogene, Src family tyrosine kinase), CTSB (cathepsin B), FDFT1 (farnesyl-diphosphate farnesyltransferase 1), GATA4 (GATA binding protein 4), NEIL2 (nei like DNA glycosylase 2). Cytogenetic location: 8p23.1.
Variant type: Duplication.
Identifiers: ClinVar variation 3245523 (VCV003245523.1).